The following is an entry in ClinVar:

ClinVar aggregate classification (germline): Uncertain significance (1 of 4 stars; one submission).

Submission:

Labcorp Genetics (formerly Invitae), Labcorp
Classification: Uncertain significance. Last evaluated: 2024-02-17. Review status: criteria provided, single submitter. Criteria: Invitae Variant Classification Sherloc (09022015). Collection method: clinical testing. Allele origin: germline.
Comment: This sequence change replaces glutamic acid with lysine at codon 219 of the CFD protein (p.Glu219Lys). The glutamic acid residue is moderately conserved and there is a small physicochemical difference between glutamic acid and lysine. This variant is not present in population databases (gnomAD no frequency). This variant has not been reported in the literature in individuals affected with CFD-related conditions. ClinVar contains an entry for this variant (Variation ID: 1386445). An algorithm developed to predict the effect of missense changes on protein structure and function (PolyPhen-2) suggests that this variant is likely to be disruptive. In summary, the available evidence is currently insufficient to determine the role of this variant in disease. Therefore, it has been classified as a Variant of Uncertain Significance.

NM_001928.4(CFD):c.655G>A (p.Glu219Lys)

Gene: CFD (complement factor D; plus strand). Cytogenetic location: 19p13.3.
Variant type: single nucleotide variant.
Coding change: c.655G>A on transcript NM_001928.4 (MANE Select); coding-DNA position 655, G replaced by A.
Protein change: p.Glu219Lys; replaces glutamic acid 219 with lysine.
Molecular consequence: missense variant.
Genome position (GRCh38, 1-based): chr19:863,131, G>A. VCF-style: chr19-863131-G-A. GRCh37 (hg19) VCF-style: chr19-863131-G-A.
Other names: c.676G>A, p.Glu226Lys (NM_001317335.2); short protein forms E226K, E219K.
Identifiers: ClinVar variation 1386445 (VCV001386445.6), dbSNP rs2035832942, ClinGen allele CA402923617.
Genomic context (GRCh38, chr19:863,131, plus strand): 5'-GGCCCCGTCCTGTTCCGGCAGGGTGACTCCGGGGGCCCGCTGGTGTGCGGGGGCGTGCTC[G>A]AGGGCGTGGTCACCTCGGGCTCGCGCGTTTGCGGCAACCGCAAGAAGCCCGGGATCTACA-3'
Protein context (NP_001919.2, residues 209-229): GGPLVCGGVL[Glu219Lys]GVVTSGSRVC